The following is an entry in ClinVar:

NM_021628.3(ALOXE3):c.365G>T (p.Cys122Phe)

Gene: ALOXE3 (arachidonate epidermal lipoxygenase 3; minus strand). Cytogenetic location: 17p13.1.
Variant type: single nucleotide variant.
Coding change: c.365G>T on transcript NM_021628.3 (MANE Select); coding-DNA position 365, G replaced by T.
Protein change: p.Cys122Phe; replaces cysteine 122 with phenylalanine.
Molecular consequence: missense variant.
Genome position (GRCh38, 1-based): chr17:8,115,676, C>A on the plus strand (G>T on the coding strand, the complement: ALOXE3 is on the minus strand). VCF-style: chr17-8115676-C-A. GRCh37 (hg19) VCF-style: chr17-8018994-C-A.
Other names: c.761G>T, p.Cys254Phe (NM_001165960.1); c.365G>T, p.Cys122Phe (NM_001369446.1); short protein forms C122F, C254F.
Identifiers: ClinVar variation 1125906 (VCV001125906.13), dbSNP rs142479006, ClinGen allele CA8368448.
Genomic context (GRCh38, chr17:8,115,676, plus strand): 5'-TCTTGTCGGGCCCGGAGCTCCCGTGTCCTGTGATCCAGGAGGAGGGGAAGAGAGTCCTGA[C>A]AAATAGTTCTTGCTGTGGGGAATGAAAATTACTCTTGGTATAAGTCTCTTTTCCAACAAC-3'
Protein context (NP_067641.2, residues 112-132): ELRPGTARTI[Cys122Phe]QDSLPLLLDH

ClinVar aggregate classification (germline): Conflicting classifications of pathogenicity. Review status: criteria provided, conflicting classifications (1 of 4 stars). 3 submissions from 3 submitters: Uncertain significance (1); Likely benign (1). 1 of the submissions does not count toward it. Last evaluated 2026-01-20.

Conditions:
ALOXE3-related disorder. Also called: ALOXE3-related condition.

Allele frequency attached by ClinVar (database versions not stated): gnomAD exomes 0.00006 and 0.00015; ExAC 0.00016; ESP Exome Variant Server 0.00031; 1000 Genomes Project 0.00100; 1000 Genomes Project 30x 0.00141.
gnomAD v4.1: 191 of 1,613,640 alleles (0.012%); highest among the groups gnomAD compares: African/African-American, 0.24%; no homozygotes.

Submissions (3):

Labcorp Genetics (formerly Invitae), Labcorp
Classification: Likely benign. Last evaluated: 2026-01-20. Review status: criteria provided, single submitter. Criteria: Invitae Variant Classification Sherloc (09022015). Collection method: clinical testing. Allele origin: germline.

GeneDx
Classification: Uncertain significance. Last evaluated: 2019-05-31. Review status: criteria provided, single submitter. Criteria: GeneDx Variant Classification Process June 2021. Collection method: clinical testing. Allele origin: germline. Affected: yes.
Comment: Has not been previously published as pathogenic or benign to our knowledge; In silico analysis, which includes protein predictors and evolutionary conservation, supports that this variant does not alter protein structure/function

PreventionGenetics, part of Exact Sciences
Classification: Likely benign for ALOXE3-related condition. Last evaluated: 2022-05-17. Review status: no assertion criteria provided. Collection method: clinical testing. Allele origin: germline. Not counted in ClinVar's aggregate classification.
Comment: This variant is classified as likely benign based on ACMG/AMP sequence variant interpretation guidelines (Richards et al. 2015 PMID: 25741868, with internal and published modifications).